The following is an entry in ClinVar:

ClinVar aggregate classification (germline): Uncertain significance (1 of 4 stars; one submission).

Submission:

Labcorp Genetics (formerly Invitae), Labcorp
Classification: Uncertain significance. Last evaluated: 2022-09-13. Review status: criteria provided, single submitter. Criteria: Invitae Variant Classification Sherloc (09022015). Collection method: clinical testing. Allele origin: germline.
Comment: This sequence change creates a premature translational stop signal (p.Arg298*) in the TBX15 gene. While this is not anticipated to result in nonsense mediated decay, it is expected to disrupt the last 199 amino acid(s) of the TBX15 protein. This variant is present in population databases (no rsID available, gnomAD 0.0009%). This variant has not been reported in the literature in individuals affected with TBX15-related conditions. Experimental studies and prediction algorithms are not available or were not evaluated, and the functional significance of this variant is currently unknown. In summary, the available evidence is currently insufficient to determine the role of this variant in disease. Therefore, it has been classified as a Variant of Uncertain Significance.

NM_001330677.2(TBX15):c.1210C>T (p.Arg404Ter)

Gene: TBX15 (T-box transcription factor 15; minus strand). Cytogenetic location: 1p12.
Variant type: single nucleotide variant.
Coding change: c.1210C>T on transcript NM_001330677.2 (MANE Select); coding-DNA position 1210, C replaced by T.
Protein change: p.Arg404Ter; replaces arginine 404 with a stop codon.
Molecular consequence: nonsense.
Genome position (GRCh38, 1-based): chr1:118,885,331, G>A on the plus strand (C>T on the coding strand, the complement: TBX15 is on the minus strand). VCF-style: chr1-118885331-G-A. GRCh37 (hg19) VCF-style: chr1-119427954-G-A.
Other names: c.892C>T, p.Arg298Ter (NM_152380.3); short protein forms R298*, R404*.
Identifiers: ClinVar variation 1966816 (VCV001966816.2), dbSNP rs1450879747, ClinGen allele CA341433009.